The following is an entry in ClinVar:

NM_003660.4(PPFIA3):c.2923A>C (p.Met975Leu)

Gene: PPFIA3 (PPFI scaffold protein A3; plus strand). Cytogenetic location: 19q13.33.
Variant type: single nucleotide variant.
Coding change: c.2923A>C on transcript NM_003660.4 (MANE Select); coding-DNA position 2923, A replaced by C.
Protein change: p.Met975Leu; replaces methionine 975 with leucine.
Molecular consequence: missense variant. On other transcripts: non-coding transcript variant (1).
Genome position (GRCh38, 1-based): chr19:49,148,170, A>C. VCF-style: chr19-49148170-A-C. GRCh37 (hg19) VCF-style: chr19-49651427-A-C.
Other names: short protein forms M975L.
Identifiers: ClinVar variation 4071635 (VCV004071635.1).

ClinVar aggregate classification (germline): Uncertain significance (1 of 4 stars; one submission).

Submission:

GeneDx
Classification: Uncertain significance. Last evaluated: 2025-01-19. Review status: criteria provided, single submitter. Criteria: GeneDx Variant Classification Process June 2021. Collection method: clinical testing. Allele origin: germline. Affected: yes.
Comment: Not observed at significant frequency in large population cohorts (gnomAD); In silico analysis supports that this missense variant has a deleterious effect on protein structure/function; Has not been previously published as pathogenic or benign to our knowledge